The following is an entry in ClinVar:

NM_004304.5(ALK):c.1001T>G (p.Leu334Arg)

Gene: ALK (ALK receptor tyrosine kinase; minus strand). Cytogenetic location: 2p23.2.
Variant type: single nucleotide variant.
Coding change: c.1001T>G on transcript NM_004304.5 (MANE Select); coding-DNA position 1001, T replaced by G.
Protein change: p.Leu334Arg; replaces leucine 334 with arginine.
Molecular consequence: missense variant.
Genome position (GRCh38, 1-based): chr2:29,532,068, A>C on the plus strand (T>G on the coding strand, the complement: ALK is on the minus strand). VCF-style: chr2-29532068-A-C. GRCh37 (hg19) VCF-style: chr2-29754934-A-C.
Other names: short protein forms L334R.
Identifiers: ClinVar variation 3524637 (VCV003524637.1).
Genomic context (GRCh38, chr2:29,532,068, plus strand): 5'-TGCCTGTGCACCGAGACGGCCAGTGTGCAGTGCTCACTGCTGCTCCTCATCCACGGACTC[A>C]GGATGGTGTGCTTGGAGTCAGCTGAGGTGTTGAGAAGGAGAAAGGAGCCTGGAAAGAGAC-3'
Protein context (NP_004295.2, residues 324-344): NTSADSKHTI[Leu334Arg]SPWMRSSSEH

ClinVar aggregate classification (germline): Uncertain significance (1 of 4 stars; one submission).

Conditions:
Hereditary cancer-predisposing syndrome. Also called: Hereditary Cancer Syndrome; Hereditary neoplastic syndrome; Tumor predisposition; Neoplastic Syndromes, Hereditary. Identifiers: Orphanet 140162, MedGen C0027672, MeSH D009386, MONDO:0015356.

Submission:

Ambry Genetics
Classification: Uncertain significance for Hereditary cancer-predisposing syndrome. Last evaluated: 2024-09-13. Review status: criteria provided, single submitter. Criteria: Ambry Variant Classification Scheme 2023. Collection method: clinical testing. Allele origin: germline.
Comment: The p.L334R variant (also known as c.1001T>G), located in coding exon 4 of the ALK gene, results from a T to G substitution at nucleotide position 1001. The leucine at codon 334 is replaced by arginine, an amino acid with dissimilar properties. This amino acid position is conserved. In addition, the in silico prediction for this alteration is inconclusive. Based on the available evidence, the clinical significance of this variant remains unclear.